The following is an entry in ClinVar:

NM_001161352.2(KCNMA1):c.209T>A (p.Ile70Asn)

Gene: KCNMA1 (potassium calcium-activated channel subfamily M alpha 1; minus strand). Cytogenetic location: 10q22.3.
Variant type: single nucleotide variant.
Coding change: c.209T>A on transcript NM_001161352.2 (MANE Select); coding-DNA position 209, T replaced by A.
Protein change: p.Ile70Asn; replaces isoleucine 70 with asparagine.
Molecular consequence: missense variant.
Genome position (GRCh38, 1-based): chr10:77,637,434, A>T on the plus strand (T>A on the coding strand, the complement: KCNMA1 is on the minus strand). VCF-style: chr10-77637434-A-T. GRCh37 (hg19) VCF-style: chr10-79397192-A-T.
Other names: c.209T>A, p.Ile70Asn (NM_001014797.3, NM_001161353.2, NM_001271518.2 and 15 more transcripts); short protein forms I70N.
Identifiers: ClinVar variation 4292805 (VCV004292805.1).

ClinVar aggregate classification (germline): Uncertain significance (1 of 4 stars; one submission).

Conditions:
Generalized epilepsy-paroxysmal dyskinesia syndrome (PNKD3). Also called: Generalized epilepsy and paroxysmal dyskinesia; Paroxysmal nonkinesigenic dyskinesia, 3, with or without generalized epilepsy. Identifiers: Orphanet 79137, MedGen C5574945, MONDO:0012276, OMIM 609446.

gnomAD v4.1: 1 of 1,613,652 alleles (0.000062%); highest among the groups gnomAD compares: Non-Finnish European, 0.000085%; no homozygotes.

Submission:

3billion
Classification: Uncertain significance for Generalized epilepsy-paroxysmal dyskinesia syndrome. Last evaluated: 2024-11-20. Review status: criteria provided, single submitter. Criteria: ACMG Guidelines, 2015. Collection method: clinical testing. Allele origin: germline. Affected: yes.
Comment: The variant is observed at an extremely low frequency in the gnomAD v4.1.0 dataset (total allele frequency: <0.001%). Predicted Consequence/Location: Missense variant In silico tool predictions suggest no damaging effect of the variant on gene or gene product [REVEL: 0.21 (<0.4)]. Therefore, this variant is classified as VUS according to the recommendation of ACMG/AMP guideline.